The following is an entry in ClinVar:

NM_183381.3(RNF13):c.503G>T (p.Gly168Val)

Gene: RNF13 (ring finger protein 13; plus strand). Cytogenetic location: 3q25.1.
Variant type: single nucleotide variant.
Coding change: c.503G>T on transcript NM_183381.3 (MANE Select); coding-DNA position 503, G replaced by T.
Protein change: p.Gly168Val; replaces glycine 168 with valine.
Molecular consequence: missense variant. On other transcripts: non-coding transcript variant (1).
Genome position (GRCh38, 1-based): chr3:149,911,980, G>T. VCF-style: chr3-149911980-G-T. GRCh37 (hg19) VCF-style: chr3-149629767-G-T.
Other names: c.503G>T, p.Gly168Val (NM_001378285.1, NM_001378286.1, NM_007282.4); c.146G>T, p.Gly49Val (NM_001378287.1, NM_001378288.1, NM_001378289.1 and 2 more transcripts); c.110G>T, p.Gly37Val (NM_001378291.1); short protein forms G168V, G49V, G37V.
Identifiers: ClinVar variation 1414043 (VCV001414043.8), dbSNP rs1717039887, ClinGen allele CA355011239.

ClinVar aggregate classification (germline): Uncertain significance (1 of 4 stars; one submission).

Allele frequency attached by ClinVar (database versions not stated): gnomAD exomes below 0.00001.
gnomAD v4.1: 4 of 1,520,386 alleles (0.00026%); highest among the groups gnomAD compares: Non-Finnish European, 0.00036%; no homozygotes.

Submission:

Labcorp Genetics (formerly Invitae), Labcorp
Classification: Uncertain significance. Last evaluated: 2022-08-09. Review status: criteria provided, single submitter. Criteria: Invitae Variant Classification Sherloc (09022015). Collection method: clinical testing. Allele origin: germline.
Comment: This variant is not present in population databases (gnomAD no frequency). This sequence change replaces glycine, which is neutral and non-polar, with valine, which is neutral and non-polar, at codon 168 of the RNF13 protein (p.Gly168Val). This variant has not been reported in the literature in individuals affected with RNF13-related conditions. In summary, the available evidence is currently insufficient to determine the role of this variant in disease. Therefore, it has been classified as a Variant of Uncertain Significance. Algorithms developed to predict the effect of missense changes on protein structure and function (SIFT, PolyPhen-2, Align-GVGD) all suggest that this variant is likely to be tolerated. ClinVar contains an entry for this variant (Variation ID: 1414043).